The following is an entry in ClinVar:

NM_000017.4(ACADS):c.900C>T (p.Phe300=)

Gene: ACADS (acyl-CoA dehydrogenase short chain; plus strand). Cytogenetic location: 12q24.31.
Variant type: single nucleotide variant.
Coding change: c.900C>T on transcript NM_000017.4 (MANE Select); coding-DNA position 900, C replaced by T.
Protein change: p.Phe300=; no amino-acid change (phenylalanine 300 retained).
Molecular consequence: synonymous variant.
Genome position (GRCh38, 1-based): chr12:120,738,637, C>T. VCF-style: chr12-120738637-C-T. GRCh37 (hg19) VCF-style: chr12-121176440-C-T.
Other names: c.888C>T, p.Phe296= (NM_001302554.2).
Identifiers: ClinVar variation 1674647 (VCV001674647.31), dbSNP rs150980955, ClinGen allele CA6831108.

ClinVar aggregate classification (germline): Likely benign. Review status: criteria provided, multiple submitters, no conflicts (2 of 4 stars). 2 submissions from 2 submitters: Likely benign (2). Last evaluated 2026-01-02.

Conditions:
Deficiency of butyryl-CoA dehydrogenase (ACADSD). Also called: SCADH DEFICIENCY; SCAD DEFICIENCY, MILD; ACYL-CoA DEHYDROGENASE, SHORT-CHAIN, DEFICIENCY OF; SCAD Deficiency; ACADS DEFICIENCY; Short-Chain Acyl-CoA Dehydrogenase Deficiency. Identifiers: Orphanet 26792, MedGen C0342783, MONDO:0008722, OMIM 201470. Disease mechanism: May be benign.

Allele frequency attached by ClinVar (database versions not stated): gnomAD 0.00001; gnomAD exomes 0.00001 and 0.00003; TOPMed 0.00001; ExAC 0.00004; ESP Exome Variant Server 0.00008.

Submissions (2):

Labcorp Genetics (formerly Invitae), Labcorp
Classification: Likely benign for Deficiency of butyryl-CoA dehydrogenase. Last evaluated: 2026-01-02. Review status: criteria provided, single submitter. Criteria: Invitae Variant Classification Sherloc (09022015). Collection method: clinical testing. Allele origin: germline.

CeGaT Center for Human Genetics Tuebingen
Classification: Likely benign. Last evaluated: 2022-09-01. Review status: criteria provided, single submitter. Criteria: CeGaT Center For Human Genetics Tuebingen Variant Classification Criteria Version 2. Collection method: clinical testing. Allele origin: germline. Affected: yes. Observed: 1 variant allele.
Comment: ACADS: BP4, BP7